The following is an entry in ClinVar:

ClinVar aggregate classification (germline): Uncertain significance (1 of 4 stars; one submission).

Conditions:
Renal cell carcinoma. Identifiers: Orphanet 217071, MedGen C0007134, MeSH D002292, MONDO:0005086, HP:0005584.

Submission:

Labcorp Genetics (formerly Invitae), Labcorp
Classification: Uncertain significance for Renal cell carcinoma. Last evaluated: 2025-02-27. Review status: criteria provided, single submitter. Criteria: Invitae Variant Classification Sherloc (09022015). Collection method: clinical testing. Allele origin: germline.
Comment: This sequence change replaces phenylalanine, which is neutral and non-polar, with leucine, which is neutral and non-polar, at codon 769 of the MET protein (p.Phe769Leu). This variant is not present in population databases (gnomAD no frequency). This variant has not been reported in the literature in individuals affected with MET-related conditions. An algorithm developed to predict the effect of missense changes on protein structure and function outputs the following: PolyPhen-2: "Benign". The leucine amino acid residue is found in multiple mammalian species, which suggests that this missense change does not adversely affect protein function. In summary, the available evidence is currently insufficient to determine the role of this variant in disease. Therefore, it has been classified as a Variant of Uncertain Significance.

NM_000245.4(MET):c.2265-14T>C

Gene: MET (MET proto-oncogene, receptor tyrosine kinase; plus strand). Cytogenetic location: 7q31.2.
Variant type: single nucleotide variant.
Coding change: c.2265-14T>C on transcript NM_000245.4 (MANE Select); 14 bases into the intron before coding-DNA position 2265, T replaced by C.
Molecular consequence: intron variant. On other transcripts: missense variant (1).
Genome position (GRCh38, 1-based): chr7:116,759,377, T>C. VCF-style: chr7-116759377-T-C. GRCh37 (hg19) VCF-style: chr7-116399431-T-C.
Other names: c.2305T>C, p.Phe769Leu (NM_001127500.3); c.975-14T>C (NM_001324402.2); c.2265-14T>C (NM_001324401.3); short protein forms F769L.
Identifiers: ClinVar variation 3728247 (VCV003728247.2).
Genomic context (GRCh38, chr7:116,759,377, plus strand): 5'-ATTGAATCCCTCTCTTACAGTACTTGGTGGAAAGAACCTCTCAACATTGTCAGTTTTCTA[T>C]TTTGCTTTGCCAGTGGTGGGAGCACAATAACAGGTGTTGGGAAAAACCTGAATTCAGTTA-3'